The following is an entry in ClinVar:

ClinVar aggregate classification (germline): Uncertain significance. Review status: criteria provided, multiple submitters, no conflicts (2 of 4 stars). 3 submissions from 3 submitters: Uncertain significance (3). Last evaluated 2025-08-27.

Conditions:
Diabetes mellitus, ketosis-prone (KPD). Identifiers: MedGen C3837958, MONDO:0100180, OMIM 612227.
Type 2 diabetes mellitus. Also called: Type II diabetes mellitus. Identifiers: MedGen C0011860, MeSH D003924, MONDO:0005148, OMIM 125853, HP:0005978.
Maturity-onset diabetes of the young type 9 (MODY9). Identifiers: Orphanet 552, MedGen C2677132, MONDO:0012818, OMIM 612225.

Allele frequency attached by ClinVar (database versions not stated): gnomAD 0.00002; TOPMed 0.00003; ESP Exome Variant Server 0.00015.
gnomAD v4.1: 32 of 1,614,096 alleles (0.002%); highest among the groups gnomAD compares: Middle Eastern, 0.049%; no homozygotes.

Submissions (3):

Labcorp Genetics (formerly Invitae), Labcorp
Classification: Uncertain significance. Last evaluated: 2025-08-27. Review status: criteria provided, single submitter. Criteria: Invitae Variant Classification Sherloc (09022015). Collection method: clinical testing. Allele origin: germline.
Comment: This sequence change replaces arginine, which is basic and polar, with glutamine, which is neutral and polar, at codon 37 of the PAX4 protein (p.Arg37Gln). This variant is present in population databases (rs147279315, gnomAD 0.004%). This variant has not been reported in the literature in individuals affected with PAX4-related conditions. ClinVar contains an entry for this variant (Variation ID: 1318473). An algorithm developed to predict the effect of missense changes on protein structure and function (PolyPhen-2) suggests that this variant is likely to be disruptive. In summary, the available evidence is currently insufficient to determine the role of this variant in disease. Therefore, it has been classified as a Variant of Uncertain Significance.

Fulgent Genetics
Classification: Uncertain significance for Type 2 diabetes mellitus; Maturity-onset diabetes of the young type 9; Diabetes mellitus, ketosis-prone. Last evaluated: 2024-01-09. Review status: criteria provided, single submitter. Criteria: ACMG Guidelines, 2015. Collection method: clinical testing. Allele origin: germline.

GeneDx
Classification: Uncertain significance. Last evaluated: 2019-08-14. Review status: criteria provided, single submitter. Criteria: GeneDx Variant Classification Process June 2021. Collection method: clinical testing. Allele origin: germline. Affected: yes.
Comment: In silico analysis, which includes protein predictors and evolutionary conservation, supports a deleterious effect; Has not been previously published as pathogenic or benign to our knowledge; This variant is associated with the following publications: (PMID: 32041611)

NM_001366110.1(PAX4):c.134G>A (p.Arg45Gln)

Gene: PAX4 (paired box 4; minus strand). Cytogenetic location: 7q32.1.
Variant type: single nucleotide variant.
Coding change: c.134G>A on transcript NM_001366110.1 (MANE Select); coding-DNA position 134, G replaced by A.
Protein change: p.Arg45Gln; replaces arginine 45 with glutamine.
Molecular consequence: missense variant.
Genome position (GRCh38, 1-based): chr7:127,615,411, C>T on the plus strand (G>A on the coding strand, the complement: PAX4 is on the minus strand). VCF-style: chr7-127615411-C-T. GRCh37 (hg19) VCF-style: chr7-127255465-C-T.
Other names: NM_006193.2:c.110G>A; c.134G>A, p.Arg45Gln (NM_001366111.1); short protein forms R45Q.
Identifiers: ClinVar variation 1318473 (VCV001318473.7), dbSNP rs147279315, ClinGen allele CA4468222.